The following is an entry in ClinVar:

NM_001349206.2(LPIN1):c.1660A>G (p.Thr554Ala)

Gene: LPIN1 (lipin 1; plus strand). Cytogenetic location: 2p25.1.
Variant type: single nucleotide variant.
Coding change: c.1660A>G on transcript NM_001349206.2 (MANE Select); coding-DNA position 1660, A replaced by G.
Protein change: p.Thr554Ala; replaces threonine 554 with alanine.
Molecular consequence: missense variant. On other transcripts: non-coding transcript variant (1).
Genome position (GRCh38, 1-based): chr2:11,788,403, A>G. VCF-style: chr2-11788403-A-G. GRCh37 (hg19) VCF-style: chr2-11928529-A-G.
Other names: c.1570A>G, p.Thr524Ala (NM_001261427.3); c.1807A>G, p.Thr603Ala (NM_001261428.3); c.1552A>G, p.Thr518Ala (NM_001349199.2, NM_001349200.2, NM_001349201.2 and 1 more transcripts); c.1657A>G, p.Thr553Ala (NM_001349202.2, NM_001349203.2); c.1660A>G, p.Thr554Ala (NM_001349204.2, NM_001349205.2); c.1750A>G, p.Thr584Ala (NM_001349207.2); c.1699A>G, p.Thr567Ala (NM_001349208.2); short protein forms T554A, T553A, T603A, T524A, T567A, T518A, T584A.
Identifiers: ClinVar variation 4997611 (VCV004997611.1).
Genomic context (GRCh38, chr2:11,788,403, plus strand): 5'-CTGAGCCTCGGTTTTTTGACATATATTTCATTGTTTTGTGTTAGATATTATAACTGGACA[A>G]CAGCAGCACCCCTCCTCCTGGCAATGCAGGCCTTCCAGAAACCTTTGCCAAAGGTGAGCT-3'
Protein context (NP_001336135.1, residues 544-564): KIGSKYYNWT[Thr554Ala]AAPLLLAMQA

ClinVar aggregate classification (germline): Uncertain significance (1 of 4 stars; one submission).

Conditions:
LPIN1-related disorder. Also called: LPIN1-related condition.

Submission:

PreventionGenetics, part of Exact Sciences
Classification: Uncertain significance for LPIN1-related condition. Last evaluated: 2024-12-19. Review status: criteria provided, single submitter. Criteria: ACMG Guidelines, 2015. Collection method: clinical testing. Allele origin: germline.
Comment: The LPIN1 c.1552A>G variant is predicted to result in the amino acid substitution p.Thr518Ala. To our knowledge, this variant has not been reported in the literature. This variant is reported in 0.0033% of alleles in individuals of South Asian descent in gnomAD. At this time, the clinical significance of this variant is uncertain due to the absence of conclusive functional and genetic evidence.